The following is an entry in ClinVar:

NM_000231.3(SGCG):c.526G>T (p.Glu176Ter)

Gene: SGCG (sarcoglycan gamma; plus strand). Cytogenetic location: 13q12.12.
Variant type: single nucleotide variant.
Coding change: c.526G>T on transcript NM_000231.3 (MANE Select); coding-DNA position 526, G replaced by T.
Protein change: p.Glu176Ter; replaces glutamic acid 176 with a stop codon.
Molecular consequence: nonsense.
Genome position (GRCh38, 1-based): chr13:23,295,435, G>T. VCF-style: chr13-23295435-G-T. GRCh37 (hg19) VCF-style: chr13-23869574-G-T.
Other names: NM_000231.3(SGCG):c.526G>T; p.Glu176Ter; c.580G>T, p.Glu194Ter (NM_001378244.1); c.526G>T, p.Glu176Ter (NM_001378245.1, NM_001378246.1); short protein forms E176*, E194*.
Identifiers: ClinVar variation 1323589 (VCV001323589.5), dbSNP rs768134426, ClinGen allele CA6909730.

ClinVar aggregate classification (germline): Pathogenic. Review status: reviewed by expert panel (3 of 4 stars). 2 submissions from 2 submitters: Pathogenic (1). 1 of the submissions does not count toward it. Last evaluated 2026-02-17.

Conditions:
Autosomal recessive limb-girdle muscular dystrophy. Identifiers: Orphanet 102015, MedGen C2931907, MONDO:0015152.
Autosomal recessive limb-girdle muscular dystrophy type 2C (LGMDR5). Also called: MUSCULAR DYSTROPHY, DUCHENNE-LIKE; MUSCULAR DYSTROPHY, LIMB-GIRDLE, AUTOSOMAL RECESSIVE 5. Identifiers: Orphanet 353, MedGen C0410173, MONDO:0009677, OMIM 253700. Disease mechanism: Affects gamma-sarcoglycan and also disrupts the integrity of the entire sarcoglycan complex..

gnomAD v4.1: 2 of 1,613,870 alleles (0.00012%); highest among the groups gnomAD compares: Non-Finnish European, 0.00017%; no homozygotes.

Submissions (2):

ClinGen Limb Girdle Muscular Dystrophy Variant Curation Expert Panel, ClinGen
Classification: Pathogenic for Autosomal recessive limb-girdle muscular dystrophy. Last evaluated: 2026-02-17. Review status: reviewed by expert panel. Criteria: ClinGen LGMD VCEP ACMG Specifications SGCG V2.0.0. Collection method: curation. Allele origin: germline. Inheritance: Autosomal recessive inheritance.
Comment: The NM_000231.3: c.526G>T p.(Glu176Ter) variant in SGCG is a nonsense variant predicted to cause a premature stop codon in biologically relevant exon 6/8, leading to nonsense-mediated decay in a gene in which loss of function is an established disease mechanism (PVS1). This variant has been observed in two individuals with features consistent with LGMD, including in a homozygous state in one patient (0.5 pts, PMID: 10942431) and confirmed in trans with a full gene deletion with uncertain breakends in one patient (NC_000013.11:g.(?_23180979)_(23325162_?)del)?, 1.0 pt, PMID: 37688281) (PM3). The highest population allele frequency for this variant in gnomAD v4.1.0 is 0.000001695 (2/1179884 European (non-Finnish) chromosomes), which is lower than the VCEP threshold for PM2_Supporting, meeting this criterion (PM2_Supporting). In summary, this variant meets the criteria to be classified as Pathogenic for autosomal recessive limb-girdle muscular dystrophy based on the ACMG/AMP criteria applied, as specified by the ClinGen Limb Girdle Muscular Dystrophy Expert Panel (specifications version 2.0.0; 02/17/2026): PVS1, PM3, PP4, PM2_Supporting.

Revvity Omics, Revvity
Classification: Pathogenic for Autosomal recessive limb-girdle muscular dystrophy type 2C. Last evaluated: 2019-08-13. Review status: criteria provided, single submitter. Criteria: ACMG Guidelines, 2015. Collection method: clinical testing. Allele origin: germline. Not counted in ClinVar's aggregate classification.